The following is an entry in ClinVar:

ClinVar aggregate classification (germline): Uncertain significance (1 of 4 stars; one submission).

Conditions:
Gastrointestinal stromal tumor. Also called: Gastrointestinal stroma tumor; Gastrointestinal stromal tumor, somatic. Identifiers: Orphanet 44890, MedGen C0238198, MeSH D046152, MONDO:0011719, OMIM 606764, HP:0100723.

Allele frequency attached by ClinVar (database versions not stated): gnomAD exomes below 0.00001.

Submission:

Labcorp Genetics (formerly Invitae), Labcorp
Classification: Uncertain significance for Gastrointestinal stromal tumor. Last evaluated: 2022-07-29. Review status: criteria provided, single submitter. Criteria: Invitae Variant Classification Sherloc (09022015). Collection method: clinical testing. Allele origin: germline.
Comment: This variant has not been reported in the literature in individuals affected with PDGFRA-related conditions. This variant is not present in population databases (gnomAD no frequency). This sequence change replaces methionine, which is neutral and non-polar, with isoleucine, which is neutral and non-polar, at codon 133 of the PDGFRA protein (p.Met133Ile). Algorithms developed to predict the effect of missense changes on protein structure and function (SIFT, PolyPhen-2, Align-GVGD) all suggest that this variant is likely to be tolerated. In summary, the available evidence is currently insufficient to determine the role of this variant in disease. Therefore, it has been classified as a Variant of Uncertain Significance.

NM_006206.6(PDGFRA):c.399G>A (p.Met133Ile)

Gene: PDGFRA (platelet derived growth factor receptor alpha; plus strand). Cytogenetic location: 4q12.
Variant type: single nucleotide variant.
Coding change: c.399G>A on transcript NM_006206.6 (MANE Select); coding-DNA position 399, G replaced by A.
Protein change: p.Met133Ile; replaces methionine 133 with isoleucine.
Molecular consequence: missense variant.
Genome position (GRCh38, 1-based): chr4:54,263,698, G>A. VCF-style: chr4-54263698-G-A. GRCh37 (hg19) VCF-style: chr4-55129865-G-A.
Other names: c.399G>A, p.Met133Ile (NM_001347827.2, NM_001347829.2); c.474G>A, p.Met158Ile (NM_001347828.2); c.438G>A, p.Met146Ile (NM_001347830.2); short protein forms M133I, M146I, M158I.
Identifiers: ClinVar variation 1714138 (VCV001714138.6), dbSNP rs2110250809, ClinGen allele CA356889683.